The following is an entry in ClinVar:

ClinVar aggregate classification (germline): Uncertain significance (1 of 4 stars; one submission).

Conditions:
Retinoblastoma (RB1). Also called: RETINOBLASTOMA, SOMATIC. Identifiers: Orphanet 790, MedGen C0035335, MeSH D012175, MONDO:0008380, OMIM 180200, HP:0009919. Disease mechanism: loss of function. Inheritance: Both sporadic and heritable forms are tested..

Submission:

Labcorp Genetics (formerly Invitae), Labcorp
Classification: Uncertain significance for Retinoblastoma. Last evaluated: 2022-02-04. Review status: criteria provided, single submitter. Criteria: Invitae Variant Classification Sherloc (09022015). Collection method: clinical testing. Allele origin: germline.
Comment: In summary, the available evidence is currently insufficient to determine the role of this variant in disease. Therefore, it has been classified as a Variant of Uncertain Significance. Variants that disrupt the consensus splice site are a relatively common cause of aberrant splicing (PMID: 17576681, 9536098). Algorithms developed to predict the effect of sequence changes on RNA splicing suggest that this variant may disrupt the consensus splice site. ClinVar contains an entry for this variant (Variation ID: 856921). This variant has not been reported in the literature in individuals affected with RB1-related conditions. This variant is not present in population databases (gnomAD no frequency). This sequence change falls in intron 6 of the RB1 gene. It does not directly change the encoded amino acid sequence of the RB1 protein. It affects a nucleotide within the consensus splice site.

Literature cited by the submitters: PubMed 17576681; PubMed 9536098.

NM_000321.3(RB1):c.608-3C>G

Gene: RB1 (RB transcriptional corepressor 1; plus strand). Cytogenetic location: 13q14.2.
Variant type: single nucleotide variant.
Coding change: c.608-3C>G on transcript NM_000321.3 (MANE Select); 3 bases into the intron before coding-DNA position 608, C replaced by G.
Molecular consequence: intron variant.
Genome position (GRCh38, 1-based): chr13:48,360,014, C>G. VCF-style: chr13-48360014-C-G. GRCh37 (hg19) VCF-style: chr13-48934150-C-G.
Identifiers: ClinVar variation 856921 (VCV000856921.8), dbSNP rs1952624919, ClinGen allele CA916081684.
Genomic context (GRCh38, chr13:48,360,014, plus strand): 5'-ATTTTCTCTCATACAAAGATCTGAATCTCTAACTTTCTTTAAAAATGTACATTTTTTTTT[C>G]AGGGGAAGTATTACAAATGGAAGATGATCTGGTGATTTCATTTCAGTTAATGCTATGTGT-3'